The following is an entry in ClinVar:

NM_001080472.4(FITM2):c.-3G>T

Gene: FITM2 (fat storage inducing transmembrane protein 2; minus strand). Cytogenetic location: 20q13.12.
Variant type: single nucleotide variant.
Coding change: c.-3G>T on transcript NM_001080472.4 (MANE Select); 3 bases upstream of the start codon, G replaced by T.
Molecular consequence: 5 prime UTR variant.
Genome position (GRCh38, 1-based): chr20:44,311,151, C>A on the plus strand (G>T on the coding strand, the complement: FITM2 is on the minus strand). VCF-style: chr20-44311151-C-A. GRCh37 (hg19) VCF-style: chr20-42939791-C-A.
Identifiers: ClinVar variation 3372639 (VCV003372639.1).
Genomic context (GRCh38, chr20:44,311,151, plus strand): 5'-CGGCCGCCCGCACCAGCGTCCCCCGCAACAACCACTCGCAGCGCTCCAGATGCTCCATGC[C>A]GGATCTCGTCAGCCACCGTCCTCCTCTCCGTGCCCTCTCGGCCACCGTATCGCCCTTCGC-3'

ClinVar aggregate classification (germline): Uncertain significance (1 of 4 stars; one submission).

gnomAD v4.1: 108 of 1,610,196 alleles (0.0067%); highest among the groups gnomAD compares: East Asian, 0.23%; 1 homozygote.

Submission:

GeneDx
Classification: Uncertain significance. Last evaluated: 2024-04-24. Review status: criteria provided, single submitter. Criteria: GeneDx Variant Classification Process June 2021. Collection method: clinical testing. Allele origin: germline. Affected: yes.
Comment: Has not been previously published as pathogenic or benign to our knowledge; Alters the Kozak sequence, which plays a major role in the initiation of translation